The following is an entry in ClinVar:

NM_198060.4(NRAP):c.3846A>G (p.Gln1282=)

Gene: NRAP (nebulin related anchoring protein; minus strand). Cytogenetic location: 10q25.3.
Variant type: single nucleotide variant.
Coding change: c.3846A>G on transcript NM_198060.4 (MANE Select); coding-DNA position 3846, A replaced by G.
Protein change: p.Gln1282=; no amino-acid change (glutamine 1282 retained).
Molecular consequence: synonymous variant.
Genome position (GRCh38, 1-based): chr10:113,605,831, T>C on the plus strand (A>G on the coding strand, the complement: NRAP is on the minus strand). VCF-style: chr10-113605831-T-C. GRCh37 (hg19) VCF-style: chr10-115365590-T-C.
Other names: c.3846A>G, p.Gln1282= (NM_001261463.2); c.3738A>G, p.Gln1246= (NM_001322945.2); c.3741A>G, p.Gln1247= (NM_006175.5).
Identifiers: ClinVar variation 4978839 (VCV004978839.1).

ClinVar aggregate classification (germline): Likely benign (1 of 4 stars; one submission).

Conditions:
NRAP-related disorder. Also called: NRAP-related condition.

gnomAD v4.1: 111 of 1,614,040 alleles (0.0069%); highest among the groups gnomAD compares: African/African-American, 0.13%; no homozygotes.

Submission:

PreventionGenetics, part of Exact Sciences
Classification: Likely benign for NRAP-related condition. Last evaluated: 2024-11-15. Review status: criteria provided, single submitter. Criteria: ACMG Guidelines, 2015. Collection method: clinical testing. Allele origin: germline.
Comment: This variant is classified as likely benign based on ACMG/AMP sequence variant interpretation guidelines (Richards et al. 2015 PMID: 25741868, with internal and published modifications).